The following is an entry in ClinVar:

NM_005751.5(AKAP9):c.7636A>G (p.Ile2546Val)

Gene: AKAP9 (A-kinase anchoring protein 9; plus strand). Cytogenetic location: 7q21.2.
Variant type: single nucleotide variant.
Coding change: c.7636A>G on transcript NM_005751.5 (MANE Select); coding-DNA position 7636, A replaced by G.
Protein change: p.Ile2546Val; replaces isoleucine 2546 with valine.
Molecular consequence: missense variant.
Genome position (GRCh38, 1-based): chr7:92,079,769, A>G. VCF-style: chr7-92079769-A-G. GRCh37 (hg19) VCF-style: chr7-91709083-A-G.
Other names: c.2281A>G, p.Ile761Val (NM_001379277.1); c.7612A>G, p.Ile2538Val (NM_147185.3); short protein forms I2538V, I2546V, I761V.
Identifiers: ClinVar variation 845711 (VCV000845711.9), dbSNP rs762351088, ClinGen allele CA4337319.

ClinVar aggregate classification (germline): Uncertain significance (1 of 4 stars; one submission).

Conditions:
Long QT syndrome (LQTS). Identifiers: MedGen C0023976, MeSH D008133, MONDO:0002442. Disease mechanism: loss of function. Inheritance: Various modes of inheritance.

Allele frequency attached by ClinVar (database versions not stated): gnomAD exomes below 0.00001; ExAC 0.00001; gnomAD 0.00001; TOPMed 0.00001.
gnomAD v4.1: 2 of 1,614,106 alleles (0.00012%); highest among the groups gnomAD compares: Non-Finnish European, 0.00017%; no homozygotes.

Submission:

Labcorp Genetics (formerly Invitae), Labcorp
Classification: Uncertain significance for Long QT syndrome. Last evaluated: 2022-03-01. Review status: criteria provided, single submitter. Criteria: Invitae Variant Classification Sherloc (09022015). Collection method: clinical testing. Allele origin: germline.
Comment: Algorithms developed to predict the effect of missense changes on protein structure and function output the following: SIFT: "Tolerated"; PolyPhen-2: "Benign"; Align-GVGD: "Class C0". The valine amino acid residue is found in multiple mammalian species, which suggests that this missense change does not adversely affect protein function. In summary, the available evidence is currently insufficient to determine the role of this variant in disease. Therefore, it has been classified as a Variant of Uncertain Significance. This sequence change replaces isoleucine, which is neutral and non-polar, with valine, which is neutral and non-polar, at codon 2546 of the AKAP9 protein (p.Ile2546Val). This variant is present in population databases (rs762351088, gnomAD 0.0009%). This variant has not been reported in the literature in individuals affected with AKAP9-related conditions. ClinVar contains an entry for this variant (Variation ID: 845711).